The following is an entry in ClinVar:

NM_012434.5(SLC17A5):c.1111+232C>T

Gene: SLC17A5 (solute carrier family 17 member 5; minus strand). Cytogenetic location: 6q13.
Variant type: single nucleotide variant.
Coding change: c.1111+232C>T on transcript NM_012434.5 (MANE Select); 232 bases into the intron after coding-DNA position 1111, C replaced by T.
Molecular consequence: intron variant.
Genome position (GRCh38, 1-based): chr6:73,615,083, G>A on the plus strand (C>T on the coding strand, the complement: SLC17A5 is on the minus strand). VCF-style: chr6-73615083-G-A. GRCh37 (hg19) VCF-style: chr6-74324806-G-A.
Identifiers: ClinVar variation 672110 (VCV000672110.1), dbSNP rs546134, ClinGen allele CA12414348.

ClinVar aggregate classification (germline): Benign (1 of 4 stars; one submission).

Allele frequency attached by ClinVar (database versions not stated): 1000 Genomes Project 0.37041; 1000 Genomes Project 30x 0.37961; gnomAD 0.42180 and 0.43167; TOPMed 0.42489.
gnomAD v4.1: 63,992 of 151,960 alleles (42%); highest among the groups gnomAD compares: African/African-American, 57%; 14,354 homozygotes.

Submission:

GeneDx
Classification: Benign. Last evaluated: 2018-06-19. Review status: criteria provided, single submitter. Criteria: GeneDx Variant Classification (06012015). Collection method: clinical testing. Allele origin: germline. Affected: yes.
Comment: This variant is considered likely benign or benign based on one or more of the following criteria: it is a conservative change, it occurs at a poorly conserved position in the protein, it is predicted to be benign by multiple in silico algorithms, and/or has population frequency not consistent with disease.